The following is an entry in ClinVar:

ClinVar aggregate classification (germline): Pathogenic/Likely pathogenic. Review status: criteria provided, multiple submitters, no conflicts (2 of 4 stars). 6 submissions from 6 submitters: Pathogenic (5); Likely pathogenic (1). Last evaluated 2025-07-25.

Conditions:
Niemann-Pick disease, type C1. Also called: NIEMANN-PICK DISEASE, VARIANT TYPE C1; NEUROVISCERAL STORAGE DISEASE WITH VERTICAL SUPRANUCLEAR OPHTHALMOPLEGIA; NIEMANN-PICK DISEASE WITH CHOLESTEROL ESTERIFICATION BLOCK; NIEMANN-PICK DISEASE WITHOUT SPHINGOMYELINASE DEFICIENCY; NIEMANN-PICK DISEASE, CHRONIC NEURONOPATHIC FORM. Identifiers: Orphanet 646, MedGen C3179455, MONDO:0009757, OMIM 257220.
Inborn genetic diseases. Identifiers: MedGen C0950123, MeSH D030342.
Niemann-Pick disease, type C (NPC). Identifiers: Orphanet 646, MedGen C0220756, MONDO:0018982.

Allele frequency attached by ClinVar (database versions not stated): TOPMed below 0.00001; gnomAD 0.00001; gnomAD exomes 0.00001; ExAC 0.00002; 1000 Genomes Project 30x 0.00016; 1000 Genomes Project 0.00020.
gnomAD v4.1: 8 of 1,614,174 alleles (0.0005%); highest among the groups gnomAD compares: East Asian, 0.0022%; no homozygotes.

Submissions (6):

3billion
Classification: Pathogenic for Niemann-Pick disease, type C1. Last evaluated: 2025-07-25. Review status: criteria provided, single submitter. Criteria: ACMG Guidelines, 2015. Collection method: clinical testing. Allele origin: germline. Affected: yes.
Comment: The variant is observed at an extremely low frequency in the gnomAD v4.1.0 dataset (total allele frequency: <0.001%). Predicted Consequence/Location: The variant is located in a mutational hot spot and/or well-established functional domain in which established pathogenic variants have been reported (PMID: 11333381, 15774455). In silico tool predictions suggest damaging effect of the variant on gene or gene product [REVEL: 0.86 (>=0.6, sensitivity 0.68 and specificity 0.92); 3Cnet: 0.96 (> 0.75, sensitivity 0.96 and precision 0.92)]. The same nucleotide change resulting in the same amino acid change has been previously reported as pathogenic/likely pathogenic with strong evidence (ClinVar ID: VCV000985168 /PMID: 16098014). A different missense change at the same codon (p.Ala926Val) has been reported as pathogenic/likely pathogenic with strong evidence (ClinVar ID: VCV000181456 /PMID: 23433426). Therefore, this variant is classified as Pathogenic according to the recommendation of ACMG/AMP guideline.

Natera, Inc.
Classification: Pathogenic for Niemann-Pick disease type C1. Last evaluated: 2025-04-30. Review status: criteria provided, single submitter. Criteria: Natera Variant Classification Schema (03/2026). Collection method: clinical testing. Allele origin: germline.
Comment: The c.2776G>A variant in NPC1 is a missense variant predicted to cause substitution of alanine to threonine at amino acid 926. This variant is rare in the general population with a frequency below the threshold expected for the associated phenotype(s). This variant has been observed in one or more individuals affected with the associated recessive disease, as either homozygous or compound heterozygous with a second variant (PMID: 35086560, 32222928, 23427322, 19252935). Computational prediction algorithms indicate this variant is likely to affect gene or protein function. Given the available evidence, this variant is classified as Pathogenic.

Women's Health and Genetics/Laboratory Corporation of America, LabCorp
Classification: Pathogenic for Niemann-Pick disease, type C. Last evaluated: 2025-04-21. Review status: criteria provided, single submitter. Criteria: LabCorp Variant Classification Summary - May 2015. Collection method: clinical testing. Allele origin: germline.
Comment: Variant summary: NPC1 c.2776G>A (p.Ala926Thr) results in a non-conservative amino acid change in the encoded protein sequence. Five of five in-silico tools predict a damaging effect of the variant on protein function. The variant allele was found at a frequency of 1.2e-05 in 251406 control chromosomes (gnomAD). c.2776G>A has been observed in multiple individuals affected with Niemann-Pick Disease Type C (e.g., Cakar_2021, Abtahi_2022). These data indicate that the variant is very likely to be associated with disease. The following publications have been ascertained in the context of this evaluation (PMID: 33938663, 35086560). ClinVar contains an entry for this variant (Variation ID: 985168). Based on the evidence outlined above, the variant was classified as pathogenic.

Labcorp Genetics (formerly Invitae), Labcorp
Classification: Pathogenic for Niemann-Pick disease, type C1. Last evaluated: 2023-08-17. Review status: criteria provided, single submitter. Criteria: Invitae Variant Classification Sherloc (09022015). Collection method: clinical testing. Allele origin: germline.
Comment: For these reasons, this variant has been classified as Pathogenic. This variant disrupts the p.Ala926 amino acid residue in NPC1. Other variant(s) that disrupt this residue have been determined to be pathogenic (PMID: 22326530, 23433426, 27250337, 32860008). This suggests that this residue is clinically significant, and that variants that disrupt this residue are likely to be disease-causing. Advanced modeling of protein sequence and biophysical properties (such as structural, functional, and spatial information, amino acid conservation, physicochemical variation, residue mobility, and thermodynamic stability) performed at Invitae indicates that this missense variant is expected to disrupt NPC1 protein function. ClinVar contains an entry for this variant (Variation ID: 985168). This missense change has been observed in individual(s) with Niemann-Pick disease type C (PMID: 16098014, 32138288, 32222928). This variant is present in population databases (rs564631426, gnomAD 0.006%). This sequence change replaces alanine, which is neutral and non-polar, with threonine, which is neutral and polar, at codon 926 of the NPC1 protein (p.Ala926Thr).

Foundation for Research in Genetics and Endocrinology, FRIGE's Institute of Human Genetics
Classification: Pathogenic for Niemann-Pick disease, type C1. Last evaluated: 2022-08-08. Review status: criteria provided, single submitter. Criteria: ACMG Guidelines, 2015. Collection method: clinical testing. Allele origin: germline. Inheritance: Autosomal recessive inheritance. Affected: yes. Observed: 1 compound heterozygote.
Comment: A compound heterozygous missense variation in exon 18 of the NPC1 gene that results in the amino acid substitution of Threonine for Alanine at codon 926 was detected. The observed variant c.2776G>A (p.Ala926Thr) has not been reported in the 1000 genomes and has a MAF of 0.0002% and 0.001% in the gnomAD databases . The in silico prediction of the variant are possibly damaging by Mutation Taster, DANN, LRT, and SIFT.Therefore, the variant meets our criteria to be classified as pathogenic based on absence from controls and in silico prediction models.

Ambry Genetics
Classification: Likely pathogenic for Inborn genetic diseases. Last evaluated: 2019-02-11. Review status: criteria provided, single submitter. Criteria: Ambry exome assertion method (8-5-2015). Collection method: clinical testing. Allele origin: germline. Affected: yes. Observed: 1 variant allele.

Literature cited by the submitters: PubMed 23433426 (cited by 3billion and Labcorp Genetics (formerly Invitae), Labcorp); PubMed 16098014 (cited by 3 submitters); PubMed 35086560 (cited by Natera, Inc. and Women's Health and Genetics/Laboratory Corporation of America, LabCorp); PubMed 32222928 (cited by Natera, Inc. and Labcorp Genetics (formerly Invitae), Labcorp); PubMed 23427322 (cited by Natera, Inc.); PubMed 19252935 (cited by Natera, Inc.); PubMed 33938663 (cited by Women's Health and Genetics/Laboratory Corporation of America, LabCorp); PubMed 22326530 (cited by Labcorp Genetics (formerly Invitae), Labcorp); PubMed 27250337 (cited by Labcorp Genetics (formerly Invitae), Labcorp); PubMed 32860008 (cited by Labcorp Genetics (formerly Invitae), Labcorp); PubMed 32138288 (cited by Labcorp Genetics (formerly Invitae), Labcorp); PubMed 28784760 (cited by Ambry Genetics).

NM_000271.5(NPC1):c.2776G>A (p.Ala926Thr)

Gene: NPC1 (NPC intracellular cholesterol transporter 1; minus strand). Cytogenetic location: 18q11.2.
Variant type: single nucleotide variant.
Coding change: c.2776G>A on transcript NM_000271.5 (MANE Select); coding-DNA position 2776, G replaced by A.
Protein change: p.Ala926Thr; replaces alanine 926 with threonine.
Molecular consequence: missense variant.
Genome position (GRCh38, 1-based): chr18:23,539,830, C>T on the plus strand (G>A on the coding strand, the complement: NPC1 is on the minus strand). VCF-style: chr18-23539830-C-T. GRCh37 (hg19) VCF-style: chr18-21119794-C-T.
Other names: p.Ala926Thr; short protein forms A926T.
Identifiers: ClinVar variation 985168 (VCV000985168.16), dbSNP rs564631426, ClinGen allele CA8912981.